The following is an entry in ClinVar:

NM_001122819.3(KIF17):c.2398G>A (p.Val800Ile)

Gene: KIF17 (kinesin family member 17; minus strand). Cytogenetic location: 1p36.12.
Variant type: single nucleotide variant.
Coding change: c.2398G>A on transcript NM_001122819.3 (MANE Select); coding-DNA position 2398, G replaced by A.
Protein change: p.Val800Ile; replaces valine 800 with isoleucine.
Molecular consequence: missense variant.
Genome position (GRCh38, 1-based): chr1:20,682,718, C>T on the plus strand (G>A on the coding strand, the complement: KIF17 is on the minus strand). VCF-style: chr1-20682718-C-T. GRCh37 (hg19) VCF-style: chr1-21009211-C-T.
Other names: c.2098G>A, p.Val700Ile (NM_001287212.2); c.2398G>A, p.Val800Ile (NM_020816.4); short protein forms V700I, V800I.
Identifiers: ClinVar variation 2638438 (VCV002638438.24), dbSNP rs139817126, ClinGen allele CA661659.
Genomic context (GRCh38, chr1:20,682,718, plus strand): 5'-TCTGCATCTTCTCCAGCAGCTTGCTCTTGGCCCGCACTTCCTCCTGGATGGAGTCGTAGA[C>T]GTTAAGCAGCACCCAGTCCCCGCTGTCCTCATCCGAGTTCTGCAGGGCAGCCACCAGCTG-3'
Protein context (NP_001116291.1, residues 790-810): EDSGDWVLLN[Val800Ile]YDSIQEEVRA

ClinVar aggregate classification (germline): Likely benign (1 of 4 stars; one submission).

Allele frequency attached by ClinVar (database versions not stated): 1000 Genomes Project 30x 0.00047; 1000 Genomes Project 0.00060; gnomAD 0.00129; TOPMed 0.00138; ExAC 0.00153; ESP Exome Variant Server 0.00208.

Submission:

CeGaT Center for Human Genetics Tuebingen
Classification: Likely benign. Last evaluated: 2022-11-01. Review status: criteria provided, single submitter. Criteria: CeGaT Center For Human Genetics Tuebingen Variant Classification Criteria Version 2. Collection method: clinical testing. Allele origin: germline. Affected: yes. Observed: 1 variant allele.
Comment: KIF17: BP4, BS2